The following is an entry in ClinVar:

ClinVar aggregate classification (germline): Uncertain significance (1 of 4 stars; one submission).

Submission:

GeneDx
Classification: Uncertain significance. Last evaluated: 2024-04-05. Review status: criteria provided, single submitter. Criteria: GeneDx Variant Classification Process June 2021. Collection method: clinical testing. Allele origin: germline. Affected: yes.
Comment: Not observed at significant frequency in large population cohorts (gnomAD); In silico analysis supports that this missense variant has a deleterious effect on protein structure/function; Has not been previously published as pathogenic or benign to our knowledge

NM_004958.4(MTOR):c.719A>G (p.Glu240Gly)

Gene: MTOR (mechanistic target of rapamycin kinase; minus strand). Cytogenetic location: 1p36.22.
Variant type: single nucleotide variant.
Coding change: c.719A>G on transcript NM_004958.4 (MANE Select); coding-DNA position 719, A replaced by G.
Protein change: p.Glu240Gly; replaces glutamic acid 240 with glycine.
Molecular consequence: missense variant. On other transcripts: 5 prime UTR variant (1).
Genome position (GRCh38, 1-based): chr1:11,253,960, T>C on the plus strand (A>G on the coding strand, the complement: MTOR is on the minus strand). VCF-style: chr1-11253960-T-C. GRCh37 (hg19) VCF-style: chr1-11314017-T-C.
Other names: c.719A>G, p.Glu240Gly (NM_001386500.1); c.-421A>G (NM_001386501.1); short protein forms E240G.
Identifiers: ClinVar variation 3371351 (VCV003371351.1).